The following is an entry in ClinVar:

NM_005120.3(MED12):c.1208A>G (p.Asn403Ser)

Gene: MED12 (mediator complex subunit 12; plus strand). Cytogenetic location: Xq13.1.
Variant type: single nucleotide variant.
Coding change: c.1208A>G on transcript NM_005120.3 (MANE Select); coding-DNA position 1208, A replaced by G.
Protein change: p.Asn403Ser; replaces asparagine 403 with serine.
Molecular consequence: missense variant.
Genome position (GRCh38, 1-based): chrX:71,122,306, A>G. VCF-style: chrX-71122306-A-G. GRCh37 (hg19) VCF-style: chrX-70342156-A-G.
Other names: short protein forms N403S.
Identifiers: ClinVar variation 651117 (VCV000651117.11), dbSNP rs1602295395, ClinGen allele CA413505624.

ClinVar aggregate classification (germline): Conflicting classifications of pathogenicity. Review status: criteria provided, conflicting classifications (1 of 4 stars). 3 submissions from 3 submitters: Uncertain significance (2); Likely benign (1). Last evaluated 2025-09-26.

Conditions:
FG syndrome (FGS). Identifiers: MedGen C0220769, MONDO:0002010.
Familial thoracic aortic aneurysm and aortic dissection (TAAD). Also called: Thoracic aortic aneurysms and dissections. Identifiers: Orphanet 91387, MedGen C4707243, MONDO:0019625.

Allele frequency attached by ClinVar (database versions not stated): TOPMed below 0.00001; gnomAD 0.00001; gnomAD exomes 0.00001.
gnomAD v4.1: 16 of 1,210,211 alleles (0.0013%); highest among the groups gnomAD compares: East Asian, 0.003%; no homozygotes.

Submissions (3):

Labcorp Genetics (formerly Invitae), Labcorp
Classification: Uncertain significance for FG syndrome. Last evaluated: 2025-09-26. Review status: criteria provided, single submitter. Criteria: Invitae Variant Classification Sherloc (09022015). Collection method: clinical testing. Allele origin: germline.
Comment: This sequence change replaces asparagine, which is neutral and polar, with serine, which is neutral and polar, at codon 403 of the MED12 protein (p.Asn403Ser). This variant is not present in population databases (gnomAD no frequency). This variant has not been reported in the literature in individuals affected with MED12-related conditions. ClinVar contains an entry for this variant (Variation ID: 651117). Invitae Evidence Modeling of protein sequence and biophysical properties (such as structural, functional, and spatial information, amino acid conservation, physicochemical variation, residue mobility, and thermodynamic stability) indicates that this missense variant is not expected to disrupt MED12 protein function with a negative predictive value of 95%. In summary, the available evidence is currently insufficient to determine the role of this variant in disease. Therefore, it has been classified as a Variant of Uncertain Significance.

Ambry Genetics
Classification: Likely benign for Familial thoracic aortic aneurysm and aortic dissection. Last evaluated: 2025-01-25. Review status: criteria provided, single submitter. Criteria: Ambry Variant Classification Scheme 2023. Collection method: clinical testing. Allele origin: germline.

GeneDx
Classification: Uncertain significance. Last evaluated: 2024-05-29. Review status: criteria provided, single submitter. Criteria: GeneDx Variant Classification Process June 2021. Collection method: clinical testing. Allele origin: germline. Affected: yes.
Comment: Not observed at significant frequency in large population cohorts (gnomAD); In silico analysis indicates that this missense variant does not alter protein structure/function; Has not been previously published as pathogenic or benign to our knowledge